The following is an entry in ClinVar:

ClinVar aggregate classification (germline): Pathogenic (1 of 4 stars; one submission).

Conditions:
Chuvash polycythemia. Also called: POLYCYTHEMIA, VHL-DEPENDENT. Identifiers: Orphanet 238557, MedGen C1837915, MONDO:0009892, OMIM 263400.
Von Hippel-Lindau syndrome (VHLS). Also called: Von Hippel-Lindau; von Hippel–Lindau syndrome; VHL syndrome. Identifiers: Orphanet 892, MedGen C0019562, MONDO:0008667, OMIM 193300. Disease mechanism: loss of function.

Submission:

Labcorp Genetics (formerly Invitae), Labcorp
Classification: Pathogenic for Von Hippel-Lindau syndrome; Chuvash polycythemia. Last evaluated: 2022-05-09. Review status: criteria provided, single submitter. Criteria: Invitae Variant Classification Sherloc (09022015). Collection method: clinical testing. Allele origin: germline.
Comment: This sequence change creates a premature translational stop signal (p.Ser65Cysfs*4) in the VHL gene. It is expected to result in an absent or disrupted protein product. Loss-of-function variants in VHL are known to be pathogenic (PMID: 8956040, 12202531, 29891534, 31350093). This variant is not present in population databases (gnomAD no frequency). This variant has not been reported in the literature in individuals affected with VHL-related conditions. For these reasons, this variant has been classified as Pathogenic.

Literature cited by the submitters: PubMed 8956040; PubMed 12202531; PubMed 29891534; PubMed 31350093.

NM_000551.4(VHL):c.189_193dup (p.Ser65fs)

Gene: VHL (von Hippel-Lindau tumor suppressor; plus strand). Cytogenetic location: 3p25.3.
Variant type: Duplication.
Coding change: c.189_193dup on transcript NM_000551.4 (MANE Select); coding-DNA positions 189 to 193, 5 bases duplicated (GCGCT; older notation c.189_193dupGCGCT).
Protein change: p.Ser65fs; shifts the reading frame from serine 65.
Molecular consequence: frameshift variant.
Genome position (GRCh38, 1-based): chr3:10,142,036-10,142,040, GCGCT duplicated; duplicating any 5 consecutive bases within chr3:10,142,033-10,142,040 gives the same sequence; the c. name uses the placement nearest the transcript's 3' end. VCF-style (leftmost placement, unchanged base first): chr3-10142032-T-TGCTGC. GRCh37 (hg19) VCF-style: chr3-10183716-T-TGCTGC.
Other names: c.189_193dup, p.Ser65fs (NM_001354723.2, NM_198156.3); short protein forms S65fs.
Identifiers: ClinVar variation 2128789 (VCV002128789.4), dbSNP rs2470157993, ClinGen allele CA2580068393.